The following is an entry in ClinVar:

ClinVar aggregate classification (germline): Uncertain significance. Review status: criteria provided, multiple submitters, no conflicts (2 of 4 stars). 3 submissions from 3 submitters: Uncertain significance (3). Last evaluated 2025-12-15.

Conditions:
Inborn genetic diseases. Identifiers: MedGen C0950123, MeSH D030342.
Congenital myasthenic syndrome 8. Also called: MYASTHENIC SYNDROME, CONGENITAL, DUE TO AGRIN DEFICIENCY; Myasthenic syndrome, congenital, 8, with pre- and postsynaptic defects. Identifiers: Orphanet 590, MedGen C3808739, MONDO:0014052, OMIM 615120.

Allele frequency attached by ClinVar (database versions not stated): gnomAD exomes 0.00001; ExAC 0.00002; gnomAD 0.00002; TOPMed 0.00002.
gnomAD v4.1: 13 of 1,613,766 alleles (0.00081%); highest among the groups gnomAD compares: Admixed American, 0.0033%; no homozygotes.

Submissions (3):

Ambry Genetics
Classification: Uncertain significance for Inborn genetic diseases. Last evaluated: 2025-12-15. Review status: criteria provided, single submitter. Criteria: Ambry Variant Classification Scheme 2023. Collection method: clinical testing. Allele origin: germline.

Labcorp Genetics (formerly Invitae), Labcorp
Classification: Uncertain significance for Congenital myasthenic syndrome 8. Last evaluated: 2021-08-30. Review status: criteria provided, single submitter. Criteria: Invitae Variant Classification Sherloc (09022015). Collection method: clinical testing. Allele origin: germline.
Comment: This sequence change replaces valine with methionine at codon 1864 of the AGRN protein (p.Val1864Met). The valine residue is weakly conserved and there is a small physicochemical difference between valine and methionine. This variant is present in population databases (rs774612575, ExAC 0.01%). This variant has not been reported in the literature in individuals affected with AGRN-related conditions. Algorithms developed to predict the effect of missense changes on protein structure and function are either unavailable or do not agree on the potential impact of this missense change (SIFT: "Tolerated"; PolyPhen-2: "Possibly Damaging"; Align-GVGD: "Class C0"). In summary, the available evidence is currently insufficient to determine the role of this variant in disease. Therefore, it has been classified as a Variant of Uncertain Significance.

Breakthrough Genomics
Classification: Uncertain significance. Review status: criteria provided, single submitter. Criteria: ACMG Guidelines, 2015. Collection method: not provided. Allele origin: germline. Inheritance: Autosomal recessive inheritance. Affected: yes.

NM_198576.4(AGRN):c.5590G>A (p.Val1864Met)

Gene: AGRN (agrin; plus strand). Cytogenetic location: 1p36.33.
Variant type: single nucleotide variant.
Coding change: c.5590G>A on transcript NM_198576.4 (MANE Select); coding-DNA position 5590, G replaced by A.
Protein change: p.Val1864Met; replaces valine 1864 with methionine.
Molecular consequence: missense variant.
Genome position (GRCh38, 1-based): chr1:1,051,754, G>A. VCF-style: chr1-1051754-G-A. GRCh37 (hg19) VCF-style: chr1-987134-G-A.
Other names: c.5602G>A, p.Val1868Met (NM_001305275.2); c.5287G>A, p.Val1763Met (NM_001364727.2); c.5590G>A (NM_198576.3); short protein forms V1763M, V1864M, V1868M.
Identifiers: ClinVar variation 1501141 (VCV001501141.7), dbSNP rs774612575, ClinGen allele CA510098.